The following is an entry in ClinVar:

ClinVar aggregate classification (germline): Uncertain significance. Review status: criteria provided, multiple submitters, no conflicts (2 of 4 stars). 5 submissions from 5 submitters: Uncertain significance (5). Last evaluated 2024-10-01.

Conditions:
Bethlem myopathy 1A. Also called: Bethlem myopathy 1; Bethlem Muscular Dystrophy; MYOPATHY, BENIGN CONGENITAL, WITH CONTRACTURES. Identifiers: Orphanet 610, MedGen CN029274, MONDO:0024530, OMIM 158810.
Inborn genetic diseases. Identifiers: MedGen C0950123, MeSH D030342.

Allele frequency attached by ClinVar (database versions not stated): TOPMed 0.00003; gnomAD 0.00004 and 0.00003; ExAC 0.00002; gnomAD exomes 0.00002.
gnomAD v4.1: 29 of 1,607,040 alleles (0.0018%); highest among the groups gnomAD compares: Non-Finnish European, 0.0024%; no homozygotes.

Submissions (5):

Ambry Genetics
Classification: Uncertain significance for Inborn genetic diseases. Last evaluated: 2024-10-01. Review status: criteria provided, single submitter. Criteria: Ambry Variant Classification Scheme 2023. Collection method: clinical testing. Allele origin: germline.

Blueprint Genetics
Classification: Uncertain significance. Last evaluated: 2024-01-05. Review status: criteria provided, single submitter. Criteria: ACMG Guidelines, 2015. Collection method: clinical testing. Allele origin: germline.

Labcorp Genetics (formerly Invitae), Labcorp
Classification: Uncertain significance for Bethlem myopathy 1A. Last evaluated: 2023-12-21. Review status: criteria provided, single submitter. Criteria: Invitae Variant Classification Sherloc (09022015). Collection method: clinical testing. Allele origin: germline.
Comment: This sequence change replaces cysteine, which is neutral and slightly polar, with arginine, which is basic and polar, at codon 609 of the COL6A1 protein (p.Cys609Arg). This variant is present in population databases (rs763495943, gnomAD 0.004%). This variant has not been reported in the literature in individuals affected with COL6A1-related conditions. ClinVar contains an entry for this variant (Variation ID: 580155). An algorithm developed to predict the effect of missense changes on protein structure and function (PolyPhen-2) suggests that this variant is likely to be disruptive. In summary, the available evidence is currently insufficient to determine the role of this variant in disease. Therefore, it has been classified as a Variant of Uncertain Significance.

Revvity Omics, Revvity
Classification: Uncertain significance. Last evaluated: 2019-07-25. Review status: criteria provided, single submitter. Criteria: ACMG Guidelines, 2015. Collection method: clinical testing. Allele origin: germline.

Eurofins Ntd Llc (ga)
Classification: Uncertain significance. Last evaluated: 2017-11-17. Review status: criteria provided, single submitter. Criteria: EGL Classification Definitions 2015. Collection method: clinical testing. Allele origin: germline. Observed: 1 variant allele, 1 heterozygote.

NM_001848.3(COL6A1):c.1825T>C (p.Cys609Arg)

Gene: COL6A1 (collagen type VI alpha 1 chain; plus strand). Cytogenetic location: 21q22.3.
Variant type: single nucleotide variant.
Coding change: c.1825T>C on transcript NM_001848.3 (MANE Select); coding-DNA position 1825, T replaced by C.
Protein change: p.Cys609Arg; replaces cysteine 609 with arginine.
Molecular consequence: missense variant.
Genome position (GRCh38, 1-based): chr21:46,001,255, T>C. VCF-style: chr21-46001255-T-C. GRCh37 (hg19) VCF-style: chr21-47421169-T-C.
Other names: short protein forms C609R.
Identifiers: ClinVar variation 580155 (VCV000580155.22), dbSNP rs763495943, ClinGen allele CA10070636.